The following is an entry in ClinVar:

ClinVar aggregate classification (germline): Uncertain significance (1 of 4 stars; one submission).

Conditions:
Hereditary cancer-predisposing syndrome. Also called: Neoplastic Syndromes, Hereditary; Tumor predisposition; Hereditary Cancer Syndrome; Hereditary neoplastic syndrome. Identifiers: Orphanet 140162, MedGen C0027672, MeSH D009386, MONDO:0015356.

Submission:

Ambry Genetics
Classification: Uncertain significance for Hereditary cancer-predisposing syndrome. Last evaluated: 2025-11-14. Review status: criteria provided, single submitter. Criteria: Ambry Variant Classification Scheme 2023. Collection method: clinical testing. Allele origin: germline.
Comment: The p.L560F variant (also known as c.1680G>C), located in coding exon 9 of the ALK gene, results from a G to C substitution at nucleotide position 1680. The leucine at codon 560 is replaced by phenylalanine, an amino acid with highly similar properties. This amino acid position is highly conserved in available vertebrate species. In addition, this alteration is predicted to be tolerated by in silico analysis. Based on the available evidence, the clinical significance of this variant remains unclear.

NM_004304.5(ALK):c.1680G>C (p.Leu560Phe)

Gene: ALK (ALK receptor tyrosine kinase; minus strand). Cytogenetic location: 2p23.2.
Variant type: single nucleotide variant.
Coding change: c.1680G>C on transcript NM_004304.5 (MANE Select); coding-DNA position 1680, G replaced by C.
Protein change: p.Leu560Phe; replaces leucine 560 with phenylalanine.
Molecular consequence: missense variant.
Genome position (GRCh38, 1-based): chr2:29,297,025, C>G on the plus strand (G>C on the coding strand, the complement: ALK is on the minus strand). VCF-style: chr2-29297025-C-G. GRCh37 (hg19) VCF-style: chr2-29519891-C-G.
Other names: short protein forms L560F.
Identifiers: ClinVar variation 4678174 (VCV004678174.1).